The following is an entry in ClinVar:

ClinVar aggregate classification (germline): Uncertain significance (1 of 4 stars; one submission).

gnomAD v4.1: 1 of 1,613,394 alleles (0.000062%); highest among the groups gnomAD compares: Admixed American, 0.0017%; no homozygotes.

Submission:

Ambry Genetics
Classification: Uncertain significance. Last evaluated: 2025-12-07. Review status: criteria provided, single submitter. Criteria: Ambry Variant Classification Scheme 2023. Collection method: clinical testing. Allele origin: germline.
Comment: The p.H932Y variant (also known as c.2794C>T), located in coding exon 27 of the NEBL gene, results from a C to T substitution at nucleotide position 2794. The histidine at codon 932 is replaced by tyrosine, an amino acid with similar properties. This amino acid position is conserved. In addition, this alteration is predicted to be tolerated by in silico analysis. Based on the available evidence, the clinical significance of this variant remains unclear.

NM_006393.3(NEBL):c.2794C>T (p.His932Tyr)

Gene: NEBL (nebulette; minus strand). Cytogenetic location: 10p12.31.
Variant type: single nucleotide variant.
Coding change: c.2794C>T on transcript NM_006393.3 (MANE Select); coding-DNA position 2794, C replaced by T.
Protein change: p.His932Tyr; replaces histidine 932 with tyrosine.
Molecular consequence: missense variant.
Genome position (GRCh38, 1-based): chr10:20,787,276, G>A on the plus strand (C>T on the coding strand, the complement: NEBL is on the minus strand). VCF-style: chr10-20787276-G-A. GRCh37 (hg19) VCF-style: chr10-21076205-G-A.
Other names: c.562C>T, p.His188Tyr (NM_001173484.2, NM_213569.2); c.655C>T, p.His219Tyr (NM_001377322.1); c.514C>T, p.His172Tyr (NM_001377323.1); c.505C>T, p.His169Tyr (NM_001377324.1); c.496C>T, p.His166Tyr (NM_001377325.1); c.454C>T, p.His152Tyr (NM_001377326.1, NM_001377327.1, NM_001377328.1); short protein forms H188Y, H166Y, H169Y, H172Y, H932Y, H152Y, H219Y.
Identifiers: ClinVar variation 4118414 (VCV004118414.2).
Genomic context (GRCh38, chr10:20,787,276, plus strand): 5'-GCTGCATTGATCTCATGGATGACACACTGGTCTGGTGCATGTAGCCATAGCCTTGGGAAT[G>A]GCTTTGCTGATAGGCTCCGGGAAGAACAGGTGCTGCATGTTAAACATACACACACACAAA-3'
Protein context (NP_006384.1, residues 922-942): PVLPGAYQQS[His932Tyr]SQGYGYMHQT